The following is an entry in ClinVar:

ClinVar aggregate classification (germline): Pathogenic/Likely pathogenic. Review status: criteria provided, multiple submitters, no conflicts (2 of 4 stars). 5 submissions from 5 submitters: Pathogenic (4); Likely pathogenic (1). Last evaluated 2022-04-27.

Conditions:
SLC12A3-related disorder. Also called: SLC12A3-related condition.
Familial hypokalemia-hypomagnesemia (GTLMNS). Also called: gitelman syndrome; HYPOMAGNESEMIA-HYPOKALEMIA, PRIMARY RENOTUBULAR, WITH HYPOCALCIURIA; POTASSIUM AND MAGNESIUM DEPLETION. Identifiers: Orphanet 358, MedGen C0268450, MONDO:0009904, OMIM 263800.

Allele frequency attached by ClinVar (database versions not stated): gnomAD exomes 0.00001.
gnomAD v4.1: 9 of 1,451,260 alleles (0.00062%); highest among the groups gnomAD compares: Non-Finnish European, 0.00084%; no homozygotes.

Submissions (5):

European Hospital Georges Pompidou Genetics Department, Assistance Publique - Hôpitaux de Paris AP-HP
Classification: Pathogenic for Familial hypokalemia-hypomagnesemia. Last evaluated: 2022-04-27. Review status: criteria provided, single submitter. Criteria: ACMG Guidelines, 2015. Collection method: clinical testing. Allele origin: germline. Affected: yes.
Comment: ACMG criteria used:PVS1 PS1 PM1 PM2

Genome-Nilou Lab
Classification: Pathogenic for Familial hypokalemia-hypomagnesemia. Last evaluated: 2021-07-15. Review status: criteria provided, single submitter. Criteria: ACMG Guidelines, 2015. Collection method: clinical testing. Allele origin: germline. Affected: no.

Labcorp Genetics (formerly Invitae), Labcorp
Classification: Pathogenic. Last evaluated: 2020-01-30. Review status: criteria provided, single submitter. Criteria: Invitae Variant Classification Sherloc (09022015). Collection method: clinical testing. Allele origin: germline.
Comment: For these reasons, this variant has been classified as Pathogenic. Loss-of-function variants in SLC12A3 are known to be pathogenic (PMID: 20848653, 22009145, 25841442). This nonsense change has been observed in individual(s) with Gitelman syndrome (PMID: 30413979). This nonsense change is also known as W939X in the literature. This variant is not present in population databases (ExAC no frequency). This sequence change creates a premature translational stop signal (p.Trp948*) in the SLC12A3 gene. It is expected to result in an absent or disrupted protein product.

Athena Diagnostics
Classification: Pathogenic. Last evaluated: 2019-10-24. Review status: criteria provided, single submitter. Criteria: Athena Diagnostics Criteria. Collection method: clinical testing. Allele origin: unknown.
Comment: The variant creates a premature nonsense codon, and is therefore predicted to result in the loss of a functional protein. Found in at least one patient with expected phenotype for this gene, and not found in general population data.

Blueprint Genetics
Classification: Likely pathogenic for SLC12A3-related disorders. Last evaluated: 2017-07-18. Review status: criteria provided, single submitter. Criteria: ACMG Guidelines, 2015. Collection method: clinical testing. Allele origin: germline. Affected: yes. Observed: 1 variant allele.

Literature cited by the submitters: PubMed 20848653 (cited by Labcorp Genetics (formerly Invitae), Labcorp); PubMed 22009145 (cited by Labcorp Genetics (formerly Invitae), Labcorp); PubMed 25841442 (cited by Labcorp Genetics (formerly Invitae), Labcorp); PubMed 30413979 (cited by Labcorp Genetics (formerly Invitae), Labcorp).

NM_001126108.2(SLC12A3):c.2817G>A (p.Trp939Ter)

Gene: SLC12A3 (solute carrier family 12 member 3; plus strand). Cytogenetic location: 16q13.
Variant type: single nucleotide variant.
Coding change: c.2817G>A on transcript NM_001126108.2 (MANE Select); coding-DNA position 2817, G replaced by A.
Protein change: p.Trp939Ter; replaces tryptophan 939 with a stop codon.
Molecular consequence: nonsense.
Genome position (GRCh38, 1-based): chr16:56,902,469, G>A. VCF-style: chr16-56902469-G-A. GRCh37 (hg19) VCF-style: chr16-56936381-G-A.
Other names: c.2844G>A, p.Trp948Ter (NM_000339.3); c.2841G>A, p.Trp947Ter (NM_001126107.2); short protein forms W939*, W947*, W948*.
Identifiers: ClinVar variation 994771 (VCV000994771.14), dbSNP rs760134110, ClinGen allele CA396001427.